The following is an entry in ClinVar:

NM_000396.4(CTSK):c.26T>C (p.Leu9Pro)

Gene: CTSK (cathepsin K; minus strand). Cytogenetic location: 1q21.3.
Variant type: single nucleotide variant.
Coding change: c.26T>C on transcript NM_000396.4 (MANE Select); coding-DNA position 26, T replaced by C.
Protein change: p.Leu9Pro; replaces leucine 9 with proline.
Molecular consequence: missense variant.
Genome position (GRCh38, 1-based): chr1:150,806,780, A>G on the plus strand (T>C on the coding strand, the complement: CTSK is on the minus strand). VCF-style: chr1-150806780-A-G. GRCh37 (hg19) VCF-style: chr1-150779256-A-G.
Other names: short protein forms L9P.
Identifiers: ClinVar variation 371412 (VCV000371412.11), dbSNP rs1057517252, ClinGen allele CA16040663.
Genomic context (GRCh38, chr1:150,806,780, plus strand): 5'-CATAGCTCCCAGTGGGTGTCCAGTATCTCCTCAGGGTACAGAGCAAAGCTCACCACAGGT[A>G]GCAGCAGAACCTTGAGCCCCCACATCCTGCAGAAGAATGTAGTTAGGGAAAACTCTTCCA-3'
Protein context (NP_000387.1, residues 1-19): MWGLKVLL[Leu9Pro]PVVSFALYPE

ClinVar aggregate classification (germline): Likely pathogenic. Review status: criteria provided, multiple submitters, no conflicts (2 of 4 stars). 7 submissions from 7 submitters: Likely pathogenic (6). 1 of the submissions does not count toward it. Last evaluated 2025-07-09.

Conditions:
Pyknodysostosis. Also called: Pycnodysostosis. Identifiers: Orphanet 763, MedGen C0238402, MONDO:0009940, OMIM 265800.

Allele frequency attached by ClinVar (database versions not stated): gnomAD exomes 0.00001.
gnomAD v4.1: 4 of 1,614,112 alleles (0.00025%); highest among the groups gnomAD compares: East Asian, 0.0089%; no homozygotes.

Submissions (7):

Natera, Inc.
Classification: Likely pathogenic for Pyknodysostosis. Last evaluated: 2025-07-09. Review status: criteria provided, single submitter. Criteria: Natera Variant Classification Schema (03/2026). Collection method: clinical testing. Allele origin: germline.
Comment: The c.26T>C variant in CTSK is a missense variant predicted to cause substitution of leucine to proline at amino acid 9. This variant is rare in the general population with a frequency below the threshold expected for the associated phenotype(s). This variant has been observed in one or more individuals affected with the associated recessive disease, as either homozygous or compound heterozygous with a second variant (PMID: 26402641, 10634420, 26402641, 10571690). Functional studies show that this variant may disrupt protein function (PMID: 31100385, 10634420). Computational prediction algorithms indicate this variant is likely to affect gene or protein function. Given the available evidence, this variant is classified as Likely Pathogenic.

Revvity Omics, Revvity
Classification: Likely pathogenic for Pyknodysostosis. Last evaluated: 2025-03-27. Review status: criteria provided, single submitter. Criteria: ACMG Guidelines, 2015. Collection method: clinical testing. Allele origin: germline.

Fulgent Genetics
Classification: Likely pathogenic for Pyknodysostosis. Last evaluated: 2024-04-23. Review status: criteria provided, single submitter. Criteria: ACMG Guidelines, 2015. Collection method: clinical testing. Allele origin: germline.

Women's Health and Genetics/Laboratory Corporation of America, LabCorp
Classification: Likely pathogenic for Pyknodysostosis. Last evaluated: 2024-04-18. Review status: criteria provided, single submitter. Criteria: LabCorp Variant Classification Summary - May 2015. Collection method: clinical testing. Allele origin: germline.
Comment: Variant summary: CTSK c.26T>C (p.Leu9Pro) results in a non-conservative amino acid change located in the pre-region critical for transfer of the nascent protein to the endoplasmic reticulum (Nishi_1999). Four of five in-silico tools predict a damaging effect of the variant on protein function. The variant was absent in 251324 control chromosomes. c.26T>C has been reported in the literature as a biallelic genotype in individuals affected with Pyknodysostosis (example, Nishi_1999, Bae_2016). These data indicate that the variant is likely to be associated with disease. To our knowledge, no experimental evidence demonstrating an impact on protein function has been reported. The following publications have been ascertained in the context of this evaluation (PMID: 26402641, 17397052, 10571690, 25550899). ClinVar contains an entry for this variant (Variation ID: 371412). Based on the evidence outlined above, the variant was classified as likely pathogenic.

Labcorp Genetics (formerly Invitae), Labcorp
Classification: Likely pathogenic. Last evaluated: 2024-02-06. Review status: criteria provided, single submitter. Criteria: Invitae Variant Classification Sherloc (09022015). Collection method: clinical testing. Allele origin: germline.
Comment: This sequence change replaces leucine, which is neutral and non-polar, with proline, which is neutral and non-polar, at codon 9 of the CTSK protein (p.Leu9Pro). This variant is not present in population databases (gnomAD no frequency). This missense change has been observed in individuals with pycnodysostosis (PMID: 10571690, 10634420). ClinVar contains an entry for this variant (Variation ID: 371412). Algorithms developed to predict the effect of missense changes on protein structure and function output the following: SIFT: "Not Available"; PolyPhen-2: "Probably Damaging"; Align-GVGD: "Not Available". The proline amino acid residue is found in multiple mammalian species, which suggests that this missense change does not adversely affect protein function. Studies have shown that this missense change alters CTSK gene expression (PMID: 10634420). In summary, the currently available evidence indicates that the variant is pathogenic, but additional data are needed to prove that conclusively. Therefore, this variant has been classified as Likely Pathogenic.

Baylor Genetics
Classification: Likely pathogenic for Pyknodysostosis. Last evaluated: 2023-03-20. Review status: criteria provided, single submitter. Criteria: ACMG Guidelines, 2015. Collection method: clinical testing. Allele origin: unknown.

Counsyl
Classification: Likely pathogenic for Pyknodysostosis. Last evaluated: 2016-09-19. Review status: no assertion criteria provided. Collection method: clinical testing. Allele origin: unknown. Not counted in ClinVar's aggregate classification.

Literature cited by the submitters: PubMed 26402641 (cited by Natera, Inc. and Women's Health and Genetics/Laboratory Corporation of America, LabCorp); PubMed 10634420 (cited by 3 submitters); PubMed 10571690 (cited by 4 submitters); PubMed 31100385 (cited by Natera, Inc.); PubMed 17397052 (cited by Women's Health and Genetics/Laboratory Corporation of America, LabCorp); PubMed 25550899 (cited by Women's Health and Genetics/Laboratory Corporation of America, LabCorp).